The following is an entry in ClinVar:

ClinVar aggregate classification (germline): Uncertain significance (1 of 4 stars; one submission).

Conditions:
Hereditary cancer-predisposing syndrome. Also called: Neoplastic Syndromes, Hereditary; Tumor predisposition; Hereditary Cancer Syndrome; Hereditary neoplastic syndrome. Identifiers: Orphanet 140162, MedGen C0027672, MeSH D009386, MONDO:0015356.

gnomAD v4.1: 1 of 1,612,204 alleles (0.000062%); highest among the groups gnomAD compares: South Asian, 0.0011%; no homozygotes.

Submission:

Ambry Genetics
Classification: Uncertain significance for Hereditary cancer-predisposing syndrome. Last evaluated: 2025-10-28. Review status: criteria provided, single submitter. Criteria: Ambry Variant Classification Scheme 2023. Collection method: clinical testing. Allele origin: germline.
Comment: The p.L378V variant (also known as c.1132C>G), located in coding exon 10 of the PMS2 gene, results from a C to G substitution at nucleotide position 1132. The leucine at codon 378 is replaced by valine, an amino acid with highly similar properties. This amino acid position is well conserved in available vertebrate species. In addition, the in silico prediction for this alteration is inconclusive. Based on the available evidence, the clinical significance of this variant remains unclear.

NM_000535.7(PMS2):c.1132C>G (p.Leu378Val)

Gene: PMS2 (PMS1 homolog 2, mismatch repair system component; minus strand). Cytogenetic location: 7p22.1.
Variant type: single nucleotide variant.
Coding change: c.1132C>G on transcript NM_000535.7 (MANE Select); coding-DNA position 1132, C replaced by G.
Protein change: p.Leu378Val; replaces leucine 378 with valine.
Molecular consequence: missense variant. On other transcripts: non-coding transcript variant (1), intron variant (10).
Genome position (GRCh38, 1-based): chr7:5,989,812, G>C on the plus strand (C>G on the coding strand, the complement: PMS2 is on the minus strand). VCF-style: chr7-5989812-G-C. GRCh37 (hg19) VCF-style: chr7-6029443-G-C.
Other names: c.727C>G, p.Leu243Val (NM_001322003.2, NM_001322004.2, NM_001322005.2 and 16 more transcripts); c.814C>G, p.Leu272Val (NM_001322007.2, NM_001322008.2, NM_001406876.1 and 2 more transcripts); c.199C>G, p.Leu67Val (NM_001322011.2, NM_001322012.2); c.559C>G, p.Leu187Val (NM_001322013.2, NM_001406909.1); c.1132C>G, p.Leu378Val (NM_001322014.2, NM_001406871.1, NM_001406872.1); c.823C>G, p.Leu275Val (NM_001322015.2, NM_001406875.1, NM_001406877.1 and 5 more transcripts); c.1318C>G, p.Leu440Val (NM_001406866.1); c.1156C>G, p.Leu386Val (NM_001406868.1); and 13 more; short protein forms L275V, L322V, L378V, L187V, L243V, L342V, L440V, L67V.
Identifiers: ClinVar variation 4667384 (VCV004667384.1).